The following is an entry in ClinVar:

ClinVar aggregate classification (germline): Uncertain significance. Review status: criteria provided, multiple submitters, no conflicts (2 of 4 stars). 3 submissions from 3 submitters: Uncertain significance (2). 1 of the submissions does not count toward it. Last evaluated 2023-10-01.

Conditions:
Retinitis pigmentosa 71 (RP71). Identifiers: Orphanet 791, MedGen C4225342, MONDO:0014618, OMIM 616394.
Short-rib thoracic dysplasia 10 with or without polydactyly (SRTD10). Identifiers: Orphanet 474, MedGen C3810175, MONDO:0014284, OMIM 615630.
Retinal dystrophy. Also called: Inherited retinal dystrophy. Identifiers: Orphanet 71862, MedGen C0854723, MeSH D058499, MONDO:0019118, HP:0000556.

Allele frequency attached by ClinVar (database versions not stated): gnomAD 0.00001; gnomAD exomes 0.00001; TOPMed 0.00001; ExAC 0.00003.
gnomAD v4.1: 21 of 1,613,988 alleles (0.0013%); highest among the groups gnomAD compares: Admixed American, 0.012%; no homozygotes.

Submissions (3):

Dept Of Ophthalmology, Nagoya University
Classification: Uncertain significance for Retinal dystrophy. Last evaluated: 2023-10-01. Review status: criteria provided, single submitter. Criteria: Submitter's publication. Collection method: research. Allele origin: germline. Affected: yes.

Labcorp Genetics (formerly Invitae), Labcorp
Classification: Uncertain significance for Retinitis pigmentosa 71; Short-rib thoracic dysplasia 10 with or without polydactyly. Last evaluated: 2022-06-10. Review status: criteria provided, single submitter. Criteria: Invitae Variant Classification Sherloc (09022015). Collection method: clinical testing. Allele origin: germline.
Comment: This sequence change replaces glutamic acid, which is acidic and polar, with lysine, which is basic and polar, at codon 1159 of the IFT172 protein (p.Glu1159Lys). This variant is present in population databases (rs748244135, gnomAD 0.02%). This variant has not been reported in the literature in individuals affected with IFT172-related conditions. Algorithms developed to predict the effect of missense changes on protein structure and function are either unavailable or do not agree on the potential impact of this missense change (SIFT: "Deleterious"; PolyPhen-2: "Benign"; Align-GVGD: "Class C0"). In summary, the available evidence is currently insufficient to determine the role of this variant in disease. Therefore, it has been classified as a Variant of Uncertain Significance.

Institute of Human Genetics, Univ. Regensburg, Univ. Regensburg
Classification: Uncertain significance for Retinal dystrophy. Last evaluated: 2023-01-01. Review status: no assertion criteria provided. Criteria: ACMG Guidelines, 2015. Collection method: clinical testing. Allele origin: germline. Affected: yes. Not counted in ClinVar's aggregate classification.

NM_015662.3(IFT172):c.3475G>A (p.Glu1159Lys)

Gene: IFT172 (intraflagellar transport 172; minus strand). Cytogenetic location: 2p23.3.
Variant type: single nucleotide variant.
Coding change: c.3475G>A on transcript NM_015662.3 (MANE Select); coding-DNA position 3475, G replaced by A.
Protein change: p.Glu1159Lys; replaces glutamic acid 1159 with lysine.
Molecular consequence: missense variant.
Genome position (GRCh38, 1-based): chr2:27,454,409, C>T on the plus strand (G>A on the coding strand, the complement: IFT172 is on the minus strand). VCF-style: chr2-27454409-C-T. GRCh37 (hg19) VCF-style: chr2-27677276-C-T.
Other names: c.3409G>A, p.Glu1137Lys (NM_001410739.1); short protein forms E1137K, E1159K.
Identifiers: ClinVar variation 2153647 (VCV002153647.3), dbSNP rs748244135, ClinGen allele CA1579964.
Genomic context (GRCh38, chr2:27,454,409, plus strand): 5'-CTCACATGAGGACTGCCTCCTTGGGTTTACCAGCTCTGATGAATTCAGCTTCAGCCTCTT[C>T]GAATTTACCCTACAGGGAGAGAAAGGCAGCCGTGCATGATGAGAAGGAGACTGGCATCAC-3'
Protein context (NP_056477.1, residues 1149-1169): AMFLEDEGKF[Glu1159Lys]EAEAEFIRAG